The following is an entry in ClinVar:

NM_000057.4(BLM):c.4191G>T (p.Gly1397=)

Gene: BLM (BLM RecQ like helicase; plus strand). Cytogenetic location: 15q26.1.
Variant type: single nucleotide variant.
Coding change: c.4191G>T on transcript NM_000057.4 (MANE Select); coding-DNA position 4191, G replaced by T.
Protein change: p.Gly1397=; no amino-acid change (glycine 1397 retained).
Molecular consequence: synonymous variant.
Genome position (GRCh38, 1-based): chr15:90,815,216, G>T. VCF-style: chr15-90815216-G-T. GRCh37 (hg19) VCF-style: chr15-91358446-G-T.
Other names: c.4191G>T, p.Gly1397= (NM_001287246.2); c.3798G>T, p.Gly1266= (NM_001287247.2); c.3066G>T, p.Gly1022= (NM_001287248.2).
Identifiers: ClinVar variation 3037058 (VCV003037058.2), dbSNP rs1596276580, ClinGen allele CA492158338.

ClinVar aggregate classification (germline): Likely benign (0 of 4 stars; one submission).

Conditions:
BLM-related disorder. Also called: BLM-related condition.

Submission:

PreventionGenetics, part of Exact Sciences
Classification: Likely benign for BLM-related condition. Last evaluated: 2020-09-02. Review status: no assertion criteria provided. Collection method: clinical testing. Allele origin: germline.
Comment: This variant is classified as likely benign based on ACMG/AMP sequence variant interpretation guidelines (Richards et al. 2015 PMID: 25741868, with internal and published modifications).